The following is an entry in ClinVar:

NM_004369.4(COL6A3):c.9034G>C (p.Ala3012Pro)

Gene: COL6A3 (collagen type VI alpha 3 chain; minus strand). Cytogenetic location: 2q37.3.
Variant type: single nucleotide variant.
Coding change: c.9034G>C on transcript NM_004369.4 (MANE Select); coding-DNA position 9034, G replaced by C.
Protein change: p.Ala3012Pro; replaces alanine 3012 with proline.
Molecular consequence: missense variant.
Genome position (GRCh38, 1-based): chr2:237,334,821, C>G on the plus strand (G>C on the coding strand, the complement: COL6A3 is on the minus strand). VCF-style: chr2-237334821-C-G. GRCh37 (hg19) VCF-style: chr2-238243464-C-G.
Other names: c.7213G>C, p.Ala2405Pro (NM_057166.5); c.8416G>C, p.Ala2806Pro (NM_057167.4); short protein forms A2806P, A2405P.
Identifiers: ClinVar variation 95014 (VCV000095014.32), dbSNP rs2270669, ClinGen allele CA148086.

ClinVar aggregate classification (germline): Benign. Review status: criteria provided, multiple submitters, no conflicts (2 of 4 stars). 17 submissions from 15 submitters: Benign (13). 4 of the submissions do not count toward it. Last evaluated 2026-02-04.

Conditions:
Dystonia 27 (DYT27). Identifiers: Orphanet 464440, MedGen C4225336, MONDO:0014627, OMIM 616411.
Ullrich congenital muscular dystrophy 1A. Also called: Intermediate COL6-RD; Ullrich congenital muscular dystrophy 1. Identifiers: Orphanet 75840, MedGen C0410179, MONDO:0009681, OMIM 254090.
Collagen 6-related myopathy. Identifiers: MedGen CN117976, MONDO:0100225.
Bethlem myopathy 1A. Also called: MYOPATHY, BENIGN CONGENITAL, WITH CONTRACTURES; Bethlem myopathy 1; Bethlem Muscular Dystrophy. Identifiers: Orphanet 610, MedGen CN029274, MONDO:0024530, OMIM 158810.

Allele frequency attached by ClinVar (database versions not stated): ExAC 0.77288; 1000 Genomes Project 0.79233; ESP Exome Variant Server 0.83508; gnomAD 0.81638; TOPMed 0.81647; 1000 Genomes Project 30x 0.79482.
gnomAD v4.1: 1,242,806 of 1,614,032 alleles (77%); highest among the groups gnomAD compares: African/African-American, 95%; 480,817 homozygotes.

Submissions (17):

Labcorp Genetics (formerly Invitae), Labcorp
Classification: Benign for Bethlem myopathy 1A. Last evaluated: 2026-02-04. Review status: criteria provided, single submitter. Criteria: Invitae Variant Classification Sherloc (09022015). Collection method: clinical testing. Allele origin: germline.

Blueprint Genetics
Classification: Benign. Last evaluated: 2024-11-26. Review status: criteria provided, single submitter. Criteria: ACMG Guidelines, 2015. Collection method: clinical testing. Allele origin: germline.

Unidad de Genómica Garrahan, Hospital de Pediatría Garrahan
Classification: Benign. Last evaluated: 2024-07-31. Review status: criteria provided, single submitter. Criteria: ACMG Guidelines, 2015. Collection method: clinical testing. Allele origin: germline. Affected: no. Observed: 87 variant alleles.
Comment: This variant is classified as Benign based on local population frequency. This variant was detected in 94% of patients studied in a panel designed for Epileptic and Developmental Encephalopathy, Progressive Myoclonus Epilepsy and Abnormal Movements and Neurodegeneration with brain iron accumulation. Number of patients: 87. Only high quality variants are reported.

Genome-Nilou Lab
Classification: Benign for Bethlem myopathy 1A. Last evaluated: 2021-07-30. Review status: criteria provided, single submitter. Criteria: ACMG Guidelines, 2015. Collection method: clinical testing. Allele origin: germline. Affected: no.

Genome-Nilou Lab
Classification: Benign for Dystonia 27. Last evaluated: 2021-07-30. Review status: criteria provided, single submitter. Criteria: ACMG Guidelines, 2015. Collection method: clinical testing. Allele origin: germline. Affected: no.

Genome-Nilou Lab
Classification: Benign for Ullrich congenital muscular dystrophy 1A. Last evaluated: 2021-07-30. Review status: criteria provided, single submitter. Criteria: ACMG Guidelines, 2015. Collection method: clinical testing. Allele origin: germline. Affected: no.

Illumina Laboratory Services, Illumina
Classification: Benign for Collagen VI-related myopathy. Last evaluated: 2018-01-13. Review status: criteria provided, single submitter. Criteria: ICSL Variant Classification Criteria 13 December 2019. Collection method: clinical testing. Allele origin: germline.
Comment: This variant was observed in the ICSL laboratory as part of a predisposition screen in an ostensibly healthy population. It had not been previously curated by ICSL or reported in the Human Gene Mutation Database (HGMD: prior to June 1st, 2018), and was therefore a candidate for classification through an automated scoring system. Utilizing variant allele frequency, disease prevalence and penetrance estimates, and inheritance mode, an automated score was calculated to assess if this variant is too frequent to cause the disease. Based on the score and internal cut-off values, a variant classified as benign is not then subjected to further curation. The score for this variant resulted in a classification of benign for this disease.

Mayo Clinic Laboratories, Mayo Clinic
Classification: Benign. Last evaluated: 2017-07-21. Review status: criteria provided, single submitter. Criteria: ACMG Guidelines, 2015. Collection method: clinical testing. Allele origin: germline. Observed: 715 variant alleles.

GeneDx
Classification: Benign. Last evaluated: 2016-01-04. Review status: criteria provided, single submitter. Criteria: GeneDx Variant Classification (06012015). Collection method: clinical testing. Allele origin: germline. Affected: yes.
Comment: This variant is considered likely benign or benign based on one or more of the following criteria: it is a conservative change, it occurs at a poorly conserved position in the protein, it is predicted to be benign by multiple in silico algorithms, and/or has population frequency not consistent with disease.

Genetic Services Laboratory, University of Chicago
Classification: Benign for AllHighlyPenetrant. Last evaluated: 2013-08-15. Review status: criteria provided, single submitter. Criteria: ACMG Guidelines, 2007. Collection method: clinical testing. Allele origin: germline.

Eurofins Ntd Llc (ga)
Classification: Benign. Last evaluated: 2012-07-31. Review status: criteria provided, single submitter. Criteria: EGL Classification Definitions 2015. Collection method: clinical testing. Allele origin: germline. Observed: 88 variant alleles, 26 heterozygotes, 62 homozygotes.

Breakthrough Genomics
Classification: Benign. Review status: criteria provided, single submitter. Criteria: ACMG Guidelines, 2015. Collection method: not provided. Allele origin: germline. Inheritance: Autosomal recessive inheritance. Affected: yes.

PreventionGenetics, part of Exact Sciences
Classification: Benign. Review status: criteria provided, single submitter. Criteria: ACMG Guidelines, 2015. Collection method: clinical testing. Allele origin: germline.

Clinical Genetics, Academic Medical Center
Classification: Benign. Review status: no assertion criteria provided. Collection method: clinical testing. Allele origin: germline. Affected: yes. Study: VKGL Data-share Consensus. Not counted in ClinVar's aggregate classification.

Diagnostic Laboratory, Department of Genetics, University Medical Center Groningen
Classification: Benign. Review status: no assertion criteria provided. Collection method: clinical testing. Allele origin: germline. Affected: yes. Study: VKGL Data-share Consensus. Not counted in ClinVar's aggregate classification.

Genome Diagnostics Laboratory, University Medical Center Utrecht
Classification: Benign. Review status: no assertion criteria provided. Collection method: clinical testing. Allele origin: germline. Affected: yes. Study: VKGL Data-share Consensus. Not counted in ClinVar's aggregate classification.

Joint Genome Diagnostic Labs from Nijmegen and Maastricht, Radboudumc and MUMC+
Classification: Benign. Review status: no assertion criteria provided. Collection method: clinical testing. Allele origin: germline. Affected: yes. Study: VKGL Data-share Consensus. Not counted in ClinVar's aggregate classification.